The following is an entry in ClinVar:

ClinVar aggregate classification (germline): Uncertain significance (1 of 4 stars; one submission).

Conditions:
Hereditary spastic paraplegia 4. Also called: Spastic Paraplegia 4; Spastic paraplegia 4, autosomal dominant; Familial spastic paraplegia autosomal dominant 2. Identifiers: Orphanet 100985, MedGen C1866855, MONDO:0008438, OMIM 182601.

Allele frequency attached by ClinVar (database versions not stated): gnomAD exomes below 0.00001 and 0.00001; ExAC 0.00001; TOPMed 0.00002; ESP Exome Variant Server 0.00008.
gnomAD v4.1: 7 of 1,614,020 alleles (0.00043%); highest among the groups gnomAD compares: South Asian, 0.0044%; no homozygotes.

Submission:

Labcorp Genetics (formerly Invitae), Labcorp
Classification: Uncertain significance for Hereditary spastic paraplegia 4. Last evaluated: 2025-05-05. Review status: criteria provided, single submitter. Criteria: Invitae Variant Classification Sherloc (09022015). Collection method: clinical testing. Allele origin: germline.
Comment: This sequence change replaces arginine, which is basic and polar, with histidine, which is basic and polar, at codon 248 of the SPAST protein (p.Arg248His). This variant is present in population databases (rs201395991, gnomAD 0.006%). This variant has not been reported in the literature in individuals affected with SPAST-related conditions. ClinVar contains an entry for this variant (Variation ID: 1411340). Invitae Evidence Modeling of protein sequence and biophysical properties (such as structural, functional, and spatial information, amino acid conservation, physicochemical variation, residue mobility, and thermodynamic stability) indicates that this missense variant is expected to disrupt SPAST protein function with a positive predictive value of 95%. In summary, the available evidence is currently insufficient to determine the role of this variant in disease. Therefore, it has been classified as a Variant of Uncertain Significance.

NM_014946.4(SPAST):c.743G>A (p.Arg248His)

Gene: SPAST (spastin; plus strand). Cytogenetic location: 2p22.3.
Variant type: single nucleotide variant.
Coding change: c.743G>A on transcript NM_014946.4 (MANE Select); coding-DNA position 743, G replaced by A.
Protein change: p.Arg248His; replaces arginine 248 with histidine.
Molecular consequence: missense variant.
Genome position (GRCh38, 1-based): chr2:32,114,698, G>A. VCF-style: chr2-32114698-G-A. GRCh37 (hg19) VCF-style: chr2-32339767-G-A.
Other names: c.740G>A, p.Arg247His (NM_001363823.2); c.644G>A, p.Arg215His (NM_001363875.2); c.647G>A, p.Arg216His (NM_001377959.1, NM_199436.2); short protein forms R247H, R215H, R248H, R216H.
Identifiers: ClinVar variation 1411340 (VCV001411340.8), dbSNP rs201395991, ClinGen allele CA1600700.
Genomic context (GRCh38, chr2:32,114,698, plus strand): 5'-AAAGTGGAGCTGTTCCAAAAAGAAAAGACCCCTTAACACACACTAGTAATTCACTGCCTC[G>A]TTCAAAAACAGTTATGAAAACTGGATCTGCAGGCCTTTCAGGCCACCATAGAGCACCTAG-3'
Protein context (NP_055761.2, residues 238-258): PLTHTSNSLP[Arg248His]SKTVMKTGSA